The following is an entry in ClinVar:

NM_152564.5(VPS13B):c.3502G>A (p.Gly1168Arg)

Gene: VPS13B (vacuolar protein sorting 13 homolog B; plus strand). Cytogenetic location: 8q22.2.
Variant type: single nucleotide variant.
Coding change: c.3502G>A on transcript NM_152564.5 (MANE Select); coding-DNA position 3502, G replaced by A.
Protein change: p.Gly1168Arg; replaces glycine 1168 with arginine.
Molecular consequence: missense variant.
Genome position (GRCh38, 1-based): chr8:99,467,470, G>A. VCF-style: chr8-99467470-G-A. GRCh37 (hg19) VCF-style: chr8-100479698-G-A.
Other names: c.3502G>A, p.Gly1168Arg (NM_017890.5); short protein forms G1168R.
Identifiers: ClinVar variation 3669414 (VCV003669414.2).

ClinVar aggregate classification (germline): Uncertain significance (1 of 4 stars; one submission).

Conditions:
Cohen syndrome (COH1). Also called: PEPPER SYNDROME; Cutis verticis gyrata, retinitis pigmentosa, and sensorineural deafness. Identifiers: Orphanet 193, MedGen C0265223, MONDO:0008999, OMIM 216550.

Submission:

Labcorp Genetics (formerly Invitae), Labcorp
Classification: Uncertain significance for Cohen syndrome. Last evaluated: 2024-05-26. Review status: criteria provided, single submitter. Criteria: Invitae Variant Classification Sherloc (09022015). Collection method: clinical testing. Allele origin: germline.
Comment: This sequence change replaces glycine, which is neutral and non-polar, with arginine, which is basic and polar, at codon 1168 of the VPS13B protein (p.Gly1168Arg). This variant is not present in population databases (gnomAD no frequency). This variant has not been reported in the literature in individuals affected with VPS13B-related conditions. Advanced modeling of protein sequence and biophysical properties (such as structural, functional, and spatial information, amino acid conservation, physicochemical variation, residue mobility, and thermodynamic stability) performed at Invitae indicates that this missense variant is expected to disrupt VPS13B protein function with a positive predictive value of 80%. In summary, the available evidence is currently insufficient to determine the role of this variant in disease. Therefore, it has been classified as a Variant of Uncertain Significance.